The following is an entry in ClinVar:

ClinVar aggregate classification (germline): Uncertain significance (1 of 4 stars; one submission).

Submission:

GeneDx
Classification: Uncertain significance. Last evaluated: 2024-09-12. Review status: criteria provided, single submitter. Criteria: GeneDx Variant Classification Process June 2021. Collection method: clinical testing. Allele origin: germline. Affected: yes.
Comment: In-frame deletion of 3 amino acids in a non-repeat region; Not observed at significant frequency in large population cohorts (gnomAD); In silico analysis supports a deleterious effect on protein structure/function; Located in a region that tolerates variation and lacks pathogenic variants; Observed in individual(s) with breast cancer (PMID: 37335020); Also known as 10290_10298delTGGTTCAAC; This variant is associated with the following publications: (PMID: 37335020)

NM_000059.4(BRCA2):c.10062_10070del (p.Ser3356_Gly3358del)

Gene: BRCA2 (BRCA2 DNA repair associated; plus strand). Cytogenetic location: 13q13.1.
Variant type: Deletion.
Coding change: c.10062_10070del on transcript NM_000059.4 (MANE Select); coding-DNA positions 10062 to 10070, 9 bases deleted (TGGTTCAAC; older notation c.10062_10070delTGGTTCAAC).
Protein change: p.Ser3356_Gly3358del.
Molecular consequence: inframe indel (on NM_000059.3). On other transcripts: non-coding transcript variant (1).
Genome position (GRCh38, 1-based): chr13:32,398,575-32,398,583, TGGTTCAAC deleted; deleting any 9 consecutive bases within chr13:32,398,574-32,398,583 gives the same sequence; the c. name uses the placement nearest the transcript's 3' end. VCF-style (leftmost placement, unchanged base first): chr13-32398573-TCTGGTTCAA-T. GRCh37 (hg19) VCF-style: chr13-32972710-TCTGGTTCAA-T.
Other names: c.10062_10070delTGGTTCAAC, p.Ser3356_Gly3358del (NM_000059.3); c.9966_9974del, p.Ser3324_Gly3326del (NM_001406719.1); c.10011_10019del, p.Ser3339_Gly3341del (NM_001406720.1); c.5130_5138del, p.Ser1712_Gly1714del (NM_001406721.1); c.3645_3653del, p.Ser1217_Gly1219del (NM_001406722.1); c.10062_10070del, p.Ser3356_Gly3358del (NM_001432077.1).
Identifiers: ClinVar variation 3769797 (VCV003769797.1).